The following is an entry in ClinVar:

NM_001370259.2(MEN1):c.1280G>T (p.Ser427Ile)

Gene: MEN1 (menin 1; minus strand). Cytogenetic location: 11q13.1.
Variant type: single nucleotide variant.
Coding change: c.1280G>T on transcript NM_001370259.2 (MANE Select); coding-DNA position 1280, G replaced by T.
Protein change: p.Ser427Ile; replaces serine 427 with isoleucine.
Molecular consequence: missense variant. On other transcripts: non-coding transcript variant (4), intron variant (1).
Genome position (GRCh38, 1-based): chr11:64,805,104, C>A on the plus strand (G>T on the coding strand, the complement: MEN1 is on the minus strand). VCF-style: chr11-64805104-C-A. GRCh37 (hg19) VCF-style: chr11-64572576-C-A.
Other names: c.1295G>T, p.Ser432Ile (NM_000244.4, NM_130800.3, NM_130801.3 and 4 more transcripts); c.1406G>T, p.Ser469Ile (NM_001370251.2, NM_001407142.1, NM_001407143.1 and 1 more transcripts); c.1280G>T, p.Ser427Ile (NM_001370260.2, NM_001370261.2, NM_001407146.1 and 2 more transcripts); c.1175G>T, p.Ser392Ile (NM_001370262.2, NM_001370263.2, NM_001407148.1 and 1 more transcripts); c.1186-288G>T (NM_001407152.1); c.1421G>T, p.Ser474Ile (NM_001407150.1); c.1301G>T, p.Ser434Ile (NM_001407151.1); short protein forms S392I, S427I, S432I, S434I, S469I, S474I.
Identifiers: ClinVar variation 4082395 (VCV004082395.1).

ClinVar aggregate classification (germline): Likely pathogenic (1 of 4 stars; one submission).

Conditions:
Hereditary breast ovarian cancer syndrome. Also called: BRCA1- and BRCA2-Associated Hereditary Breast and Ovarian Cancer; Hereditary breast and ovarian cancer; Hereditary breast and ovarian cancer syndrome (HBOC); Hereditary breast and/or ovarian cancer syndrome; Hereditary breast and ovarian cancer syndrome; Breast and ovarian cancer. Identifiers: Orphanet 145, MedGen C0677776, MeSH D061325, MONDO:0003582. Disease mechanism: loss of function.

Submission:

Genetics and Personalized Medicine Clinic, Tartu University Hospital
Classification: Likely pathogenic for Hereditary breast ovarian cancer syndrome. Last evaluated: 2021-01-01. Review status: criteria provided, single submitter. Criteria: ACMG Guidelines, 2015. Collection method: clinical testing. Allele origin: germline. Affected: yes. Observed: 1 variant allele.
Comment: This is a missense variant p.Ser427Ile in the MEN1 gene. While MEN1 is associated with tumor predisposition syndromes.